The following is an entry in ClinVar:

ClinVar aggregate classification (germline): Pathogenic/Likely pathogenic. Review status: criteria provided, multiple submitters, no conflicts (2 of 4 stars). 8 submissions from 8 submitters: Pathogenic (6); Likely pathogenic (1). 1 of the submissions does not count toward it. Last evaluated 2025-10-11.

Conditions:
COQ8A-related disorders.
Autosomal recessive ataxia due to ubiquinone deficiency. Also called: Coenzyme Q10 deficiency, primary, 4; SPINOCEREBELLAR ATAXIA, AUTOSOMAL RECESSIVE 9. Identifiers: Orphanet 139485, MedGen C2677589, MONDO:0012784, OMIM 612016.

Submissions (8):

Medical and Scientific Branch, Hong Kong Genome Institute
Classification: Pathogenic for Autosomal recessive ataxia due to ubiquinone deficiency. Last evaluated: 2025-10-11. Review status: criteria provided, single submitter. Criteria: ACMG Guidelines, 2015. Collection method: clinical testing. Allele origin: germline. Affected: yes.

Labcorp Genetics (formerly Invitae), Labcorp
Classification: Pathogenic. Last evaluated: 2025-05-07. Review status: criteria provided, single submitter. Criteria: Invitae Variant Classification Sherloc (09022015). Collection method: clinical testing. Allele origin: germline.
Comment: This sequence change creates a premature translational stop signal (p.Ser616Leufs*114) in the COQ8A gene. While this is not anticipated to result in nonsense mediated decay, it is expected to disrupt the last 32 amino acid(s) of the COQ8A protein. This variant is present in population databases (rs761498232, gnomAD 0.03%). This premature translational stop signal has been observed in individuals with clinical features of coenzyme Q10 deficiency (PMID: 24218524, 32743982, 32961396, 34663476). ClinVar contains an entry for this variant (Variation ID: 214046). Algorithms developed to predict the effect of variants on gene product structure and function are not available or were not evaluated for this variant. Experimental studies have shown that this premature translational stop signal affects COQ8A function (PMID: 24218524). This variant disrupts a region of the COQ8A protein in which other variant(s) (p.Arg626His) have been observed in individuals with COQ8A-related conditions (internal data). This suggests that this is a clinically significant region of the protein, and that variants that disrupt it are likely to be disease-causing. For these reasons, this variant has been classified as Pathogenic.

Blueprint Genetics
Classification: Pathogenic for COQ8A-related disorders. Last evaluated: 2024-09-04. Review status: criteria provided, single submitter. Criteria: ACMG Guidelines, 2015. Collection method: clinical testing. Allele origin: germline. Affected: yes. Observed: 2 variant alleles.

Women's Health and Genetics/Laboratory Corporation of America, LabCorp
Classification: Pathogenic for Autosomal recessive ataxia due to ubiquinone deficiency. Last evaluated: 2023-10-06. Review status: criteria provided, single submitter. Criteria: LabCorp Variant Classification Summary - May 2015. Collection method: clinical testing. Allele origin: germline.
Comment: Variant summary: CABC1 c.1844dupG (p.Ser616LeufsX114), located within the last exon, causes a frameshift which disrupts the last 32 amino acids of the encoded protein sequence and results in an extension of the protein, but is not predicted to undergo nonsense mediated decay. The variant allele was found at a frequency of 6.7e-05 in 282792 control chromosomes (gnomAD). c.1844dupG has been reported in the literature as a biallelic genotype in multiple individuals affected with Autosomal Recessive Ataxia Due To Ubiquinone Deficiency, including reports where symptoms have improved following CoQ10 supplementation, and has been found to segregate with the disease phenotype in at least one family (e.g. Liu_2014, Jiao_2020, Zhang_2020). These data indicate that the variant is very likely to be associated with disease. To our knowledge, no experimental evidence demonstrating an impact on protein function has been reported. The following publications have been ascertained in the context of this evaluation (PMID: 32961396, 24218524, 32743982). Four submitters have cited clinical-significance assessments for this variant to ClinVar after 2014. Three submitters classified the variant as pathogenic, and one classified it as uncertain significance. Based on the evidence outlined above, the variant was classified as pathogenic.

GeneDx
Classification: Pathogenic. Last evaluated: 2019-01-17. Review status: criteria provided, single submitter. Criteria: GeneDx Variant Classification (06012015). Collection method: clinical testing. Allele origin: germline. Affected: yes.
Comment: The c.1844dupG variant in the ADCK3 gene causes a frameshift starting with codon Serine 616, changes this amino acid to a Leucine residue and creates a premature Stop codon at position 114 of the new reading frame, denoted p.Ser616LeufsX114. This mutation is predicted to cause loss of normal protein function by resulting in the replacement of the last 32 amino acids of the ADCK3 protein by 113 incorrect amino acids, which is predicted to affect the secondary structure and function of the ADCK3 protein. Although this variant has not been previously reported to our knowledge, it is expected to be a pathogenic variant.

Athena Diagnostics
Classification: Pathogenic. Last evaluated: 2017-02-22. Review status: criteria provided, single submitter. Criteria: Athena Diagnostics Criteria. Collection method: clinical testing. Allele origin: germline.

Juno Genomics, Hangzhou Juno Genomics, Inc
Classification: Likely pathogenic for Autosomal recessive ataxia due to ubiquinone deficiency. Review status: criteria provided, single submitter. Criteria: ACMG Guidelines, 2015. Collection method: clinical testing. Allele origin: germline.
Comment: Absent from controls (or at extremely low frequency if recessive) in Genome Aggregation Database.;Null variant in a gene where loss of function (LOF) is a known mechanism of disease.;For recessive disorders, detected in trans with a pathogenic variant.;Patient's phenotype or family history is highly specific for a disease with a single genetic etiology.;Co-segregation with disease in multiple affected family members.

GeneReviews
No classification provided. Condition: Autosomal recessive ataxia due to ubiquinone deficiency. Review status: no classification provided. Collection method: literature only. Allele origin: germline. Not counted in ClinVar's aggregate classification.

Literature cited by the submitters: PubMed 24218524 (cited by 3 submitters); PubMed 32743982 (cited by Labcorp Genetics (formerly Invitae), Labcorp and Women's Health and Genetics/Laboratory Corporation of America, LabCorp); PubMed 32961396 (cited by Labcorp Genetics (formerly Invitae), Labcorp and Women's Health and Genetics/Laboratory Corporation of America, LabCorp); PubMed 34663476 (cited by Labcorp Genetics (formerly Invitae), Labcorp); NCBI Bookshelf NBK410087 (cited by GeneReviews).

NM_020247.5(COQ8A):c.1844dup (p.Ser616fs)

Gene: COQ8A (coenzyme Q8A; plus strand). Cytogenetic location: 1q42.13.
Variant type: Duplication.
Coding change: c.1844dup on transcript NM_020247.5 (MANE Select); coding-DNA position 1844, one base duplicated (G; older notation c.1844dupG).
Protein change: p.Ser616fs; shifts the reading frame from serine 616.
Molecular consequence: frameshift variant.
Genome position (GRCh38, 1-based): chr1:226,986,637, G duplicated; the last of 6 consecutive G bases (chr1:226,986,632-226,986,637); duplicating any one gives the same sequence. VCF-style (leftmost placement, unchanged base first): chr1-226986631-T-TG. GRCh37 (hg19) VCF-style: chr1-227174332-T-TG.
Other names: 1844_1845insG; c.1844dupG (NM_020247.5, NM_020247.4); short protein forms S616fs.
Identifiers: ClinVar variation 214046 (VCV000214046.19), dbSNP rs764847439, ClinGen allele CA320338.